The following is an entry in ClinVar:

ClinVar aggregate classification (germline): Uncertain significance. Review status: criteria provided, multiple submitters, no conflicts (2 of 4 stars). 4 submissions from 4 submitters: Uncertain significance (4). Last evaluated 2025-03-19.

Conditions:
Hereditary cancer-predisposing syndrome. Also called: Neoplastic Syndromes, Hereditary; Tumor predisposition; Hereditary Cancer Syndrome; Hereditary neoplastic syndrome. Identifiers: Orphanet 140162, MedGen C0027672, MeSH D009386, MONDO:0015356.
Haddad syndrome (OHD). Also called: Ondine-Hirschsprung disease. Identifiers: Orphanet 99803, MedGen C1859049, MONDO:0020493.

gnomAD v4.1: 3 of 1,153,208 alleles (0.00026%); highest among the groups gnomAD compares: Non-Finnish European, 0.00032%; no homozygotes.

Submissions (4):

Dasa
Classification: Uncertain significance. Last evaluated: 2025-03-19. Review status: criteria provided, single submitter. Criteria: DASA Assertion Criteria. Collection method: clinical testing. Allele origin: germline.
Comment: NM_003924.4(PHOX2B):c.734C>T (p.Ala245Val) is a missense variant that results in the substitution of alanine with valine. This variant is rare in population databases. Computational prediction algorithms are consistent with a benign effect. The currently available literature and clinical evidence are not sufficient to establish a definitive association between this variant and the reported condition. Therefore, this variant is classified as a variant of uncertain significance.

Ambry Genetics
Classification: Uncertain significance for Hereditary cancer-predisposing syndrome. Last evaluated: 2024-05-28. Review status: criteria provided, single submitter. Criteria: Ambry Variant Classification Scheme 2023. Collection method: clinical testing. Allele origin: germline.
Comment: The p.A245V variant (also known as c.734C>T), located in coding exon 3 of the PHOX2B gene, results from a C to T substitution at nucleotide position 734. The alanine at codon 245 is replaced by valine, an amino acid with similar properties. This amino acid position is conserved. In addition, this alteration is predicted to be tolerated by in silico analysis. Based on the available evidence, the clinical significance of this variant remains unclear.

Labcorp Genetics (formerly Invitae), Labcorp
Classification: Uncertain significance for Haddad syndrome. Last evaluated: 2022-10-10. Review status: criteria provided, single submitter. Criteria: Invitae Variant Classification Sherloc (09022015). Collection method: clinical testing. Allele origin: germline.
Comment: This sequence change replaces alanine, which is neutral and non-polar, with valine, which is neutral and non-polar, at codon 245 of the PHOX2B protein (p.Ala245Val). In summary, the available evidence is currently insufficient to determine the role of this variant in disease. Therefore, it has been classified as a Variant of Uncertain Significance. Advanced modeling of protein sequence and biophysical properties (such as structural, functional, and spatial information, amino acid conservation, physicochemical variation, residue mobility, and thermodynamic stability) performed at Invitae indicates that this missense variant is not expected to disrupt PHOX2B protein function. ClinVar contains an entry for this variant (Variation ID: 1037999). This variant has not been reported in the literature in individuals affected with PHOX2B-related conditions. This variant is not present in population databases (gnomAD no frequency).

Sema4
Classification: Uncertain significance for Hereditary cancer-predisposing syndrome. Last evaluated: 2021-08-24. Review status: criteria provided, single submitter. Criteria: Sema4 Curation Guidelines. Collection method: curation. Allele origin: germline.
Comment: The PHOX2B c.734C>T (p.A245V) variant has not been reported in literature to our knowledge. This variant was not observed in the large and broad cohorts of the Genome Aggregation Database (PMID: 32461654). This variant has been reported in ClinVar (Variation ID 1037999). In silico tools suggest the impact of the variant on protein function is benign, though these predictions have not been confirmed by functional studies. The overall evidence is insufficient to meet ACMG/AMP criteria for classifying it as benign or pathogenic. In summary, the clinical significance of this variant is currently uncertain.

NM_003924.4(PHOX2B):c.734C>T (p.Ala245Val)

Genes: PHOX2B (paired like homeobox 2B; minus strand), LOC110011216 (paired like homeobox 2b polyalanine repeat instability region; plus strand). Cytogenetic location: 4p13.
Variant type: single nucleotide variant.
Coding change: c.734C>T on transcript NM_003924.4 (MANE Select); coding-DNA position 734, C replaced by T.
Protein change: p.Ala245Val; replaces alanine 245 with valine.
Molecular consequence: missense variant.
Genome position (GRCh38, 1-based): chr4:41,746,018, G>A on the plus strand (C>T on the coding strand, the complement: PHOX2B is on the minus strand). VCF-style: chr4-41746018-G-A. GRCh37 (hg19) VCF-style: chr4-41748035-G-A.
Other names: short protein forms A245V.
Identifiers: ClinVar variation 1037999 (VCV001037999.13), dbSNP rs1733881745, ClinGen allele CA356737232.